The following is an entry in ClinVar:

NM_152419.3(HGSNAT):c.1377+20G>A

Gene: HGSNAT (heparan-alpha-glucosaminide N-acetyltransferase; plus strand). Cytogenetic location: 8p11.21.
Variant type: single nucleotide variant.
Coding change: c.1377+20G>A on transcript NM_152419.3 (MANE Select); 20 bases into the intron after coding-DNA position 1377, G replaced by A.
Molecular consequence: intron variant.
Genome position (GRCh38, 1-based): chr8:43,192,450, G>A. VCF-style: chr8-43192450-G-A. GRCh37 (hg19) VCF-style: chr8-43047593-G-A.
Other names: c.1377+20G>A (NM_001363227.2); c.513+20G>A (NM_001363229.2); c.1185+20G>A (NM_001363228.2).
Identifiers: ClinVar variation 96501 (VCV000096501.25), dbSNP rs17603428, ClinGen allele CA149559.
Genomic context (GRCh38, chr8:43,192,450, plus strand): 5'-TGCTGGGAGACGATCACCTTTACCAGCACCCATCTTCTGCTGTGAGTGAGACTCGAGTTC[G>A]CTTAGAACTGGAACTCAGGCTTTCAGAAGTGAAGGAAAGTAGAAAGAGCCAGCAAACGTT-3'

ClinVar aggregate classification (germline): Benign. Review status: criteria provided, multiple submitters, no conflicts (2 of 4 stars). 13 submissions from 12 submitters: Benign (10). 3 of the submissions do not count toward it. Last evaluated 2026-02-04.

Conditions:
Retinitis pigmentosa 73 (RP73). Identifiers: Orphanet 791, MedGen C4225287, MONDO:0014687, OMIM 616544.
Mucopolysaccharidosis, MPS-III-C (MPS3C). Also called: Mucopolysaccharidosis type IIIC (Sanfilippo C); SANFILIPPO SYNDROME C; MUCOPOLYSACCHARIDOSIS, TYPE IIIC; mucopolysaccharidosis type 3C; MPS IIIC (Sanfilippo Syndrome Type C); MPS III C. Identifiers: Orphanet 581, Orphanet 79271, MedGen C0086649, MONDO:0009657, OMIM 252930.

Allele frequency attached by ClinVar (database versions not stated): 1000 Genomes Project 0.22524; gnomAD 0.24049 and 0.24617; gnomAD exomes 0.30047 and 0.32268; 1000 Genomes Project 30x 0.22064; ESP Exome Variant Server 0.24897; TOPMed 0.22895; ExAC 0.30720.
gnomAD v4.1: 500,528 of 1,590,104 alleles (31%); highest among the groups gnomAD compares: South Asian, 36%; 82,815 homozygotes.

Submissions (13):

Labcorp Genetics (formerly Invitae), Labcorp
Classification: Benign for Retinitis pigmentosa 73; Mucopolysaccharidosis, MPS-III-C. Last evaluated: 2026-02-04. Review status: criteria provided, single submitter. Criteria: Invitae Variant Classification Sherloc (09022015). Collection method: clinical testing. Allele origin: germline.

Blueprint Genetics
Classification: Benign. Last evaluated: 2024-11-27. Review status: criteria provided, single submitter. Criteria: ACMG Guidelines, 2015. Collection method: clinical testing. Allele origin: germline.

Genome-Nilou Lab
Classification: Benign for Mucopolysaccharidosis, MPS-III-C. Last evaluated: 2021-07-01. Review status: criteria provided, single submitter. Criteria: ACMG Guidelines, 2015. Collection method: clinical testing. Allele origin: germline. Affected: no.

Genome-Nilou Lab
Classification: Benign for Retinitis pigmentosa 73. Last evaluated: 2021-07-01. Review status: criteria provided, single submitter. Criteria: ACMG Guidelines, 2015. Collection method: clinical testing. Allele origin: germline. Affected: no.

Clinical Genetics DNA and cytogenetics Diagnostics Lab, Erasmus MC, Erasmus Medical Center
Classification: Benign for Mucopolysaccharidosis, MPS-III-C. Last evaluated: 2017-05-31. Review status: criteria provided, single submitter. Criteria: ACGS Guidelines, 2013. Collection method: clinical testing. Allele origin: germline. Affected: yes. Study: VKGL Data-share Consensus.

Women's Health and Genetics/Laboratory Corporation of America, LabCorp
Classification: Benign. Last evaluated: 2016-12-04. Review status: criteria provided, single submitter. Criteria: LabCorp Variant Classification Summary - May 2015. Collection method: clinical testing. Allele origin: germline.
Comment: Variant summary: The c.1377+20G>A in HGSNAT gene is an intronic change that involves a non-conserved nucleotide. 4/5 programs in Alamut predict that this variant does not affect normal splicing, however no functional studies supporting this notion were published at the time of evaluation. The variant is present in control population dataset of ExAC at a frequency of 0.307 (35414/115280 chrs tested). The observed frequency exceeds the estimated maximal expected allele frequency of a pathogenic variant in HGSNAT gene (0.001). The variant has been reported as Benign by a reputable database/clinical laboratory. Taking together, the variant was classified as Benign.

GeneDx
Classification: Benign. Last evaluated: 2015-03-03. Review status: criteria provided, single submitter. Criteria: GeneDx Variant Classification Process June 2021. Collection method: clinical testing. Allele origin: germline. Affected: yes.

Eurofins Ntd Llc (ga)
Classification: Benign. Last evaluated: 2014-06-03. Review status: criteria provided, single submitter. Criteria: EGL Classification Definitions 2015. Collection method: clinical testing. Allele origin: germline. Observed: 21 variant alleles, 18 heterozygotes, 3 homozygotes.

Breakthrough Genomics
Classification: Benign. Review status: criteria provided, single submitter. Criteria: ACMG Guidelines, 2015. Collection method: not provided. Allele origin: germline. Inheritance: Autosomal recessive inheritance. Affected: yes.

PreventionGenetics, part of Exact Sciences
Classification: Benign. Review status: criteria provided, single submitter. Criteria: ACMG Guidelines, 2015. Collection method: clinical testing. Allele origin: germline.

Mayo Clinic Laboratories, Mayo Clinic
Classification: Benign. Last evaluated: 2015-10-26. Review status: no assertion criteria provided. Collection method: clinical testing. Allele origin: unknown. Not counted in ClinVar's aggregate classification.

Clinical Genetics, Academic Medical Center
Classification: Benign. Review status: no assertion criteria provided. Collection method: clinical testing. Allele origin: germline. Affected: yes. Study: VKGL Data-share Consensus. Not counted in ClinVar's aggregate classification.

Joint Genome Diagnostic Labs from Nijmegen and Maastricht, Radboudumc and MUMC+
Classification: Benign. Review status: no assertion criteria provided. Collection method: clinical testing. Allele origin: germline. Affected: yes. Study: VKGL Data-share Consensus. Not counted in ClinVar's aggregate classification.